The following is an entry in ClinVar:

NM_001077365.2(POMT1):c.2138G>A (p.Arg713His)

Gene: POMT1 (protein O-mannosyltransferase 1; plus strand). Cytogenetic location: 9q34.13.
Variant type: single nucleotide variant.
Coding change: c.2138G>A on transcript NM_001077365.2 (MANE Select); coding-DNA position 2138, G replaced by A.
Protein change: p.Arg713His; replaces arginine 713 with histidine.
Molecular consequence: missense variant. On other transcripts: non-coding transcript variant (10).
Genome position (GRCh38, 1-based): chr9:131,523,066, G>A. VCF-style: chr9-131523066-G-A. GRCh37 (hg19) VCF-style: chr9-134398453-G-A.
Other names: c.1976G>A, p.Arg659His (NM_001077366.2, NM_001353194.2); c.2138G>A, p.Arg713His (NM_001136113.2); c.1787G>A, p.Arg596His (NM_001136114.2, NM_001353195.2, NM_001374691.1 and 2 more transcripts); c.2204G>A, p.Arg735His (NM_001353193.2, NM_007171.4); c.2048G>A, p.Arg683His (NM_001353196.2); c.2042G>A, p.Arg681His (NM_001353197.2, NM_001353198.2); c.1853G>A, p.Arg618His (NM_001353199.2); c.1682G>A, p.Arg561His (NM_001353200.2); and 3 more; short protein forms R735H, R683H, R596H, R618H, R659H, R561H, R681H, R713H.
Identifiers: ClinVar variation 538718 (VCV000538718.7), dbSNP rs938573554, ClinGen allele CA200798439.
Genomic context (GRCh38, chr9:131,523,066, plus strand): 5'-CGCTGCGCCCACTCACCTACGGGGACAAGTCACTCTCGCCACATGAACTCAAGGCCCTTC[G>A]CTGGAAAGACAGCTGGGACATCTTGATCCGAAAACACTAGAACAAGAGTGTGGCAAAGAA-3'
Protein context (NP_001070833.1, residues 703-723): SLSPHELKAL[Arg713His]WKDSWDILIR

ClinVar aggregate classification (germline): Uncertain significance. Review status: criteria provided, multiple submitters, no conflicts (2 of 4 stars). 3 submissions from 3 submitters: Uncertain significance (3). Last evaluated 2024-07-18.

Conditions:
Autosomal recessive limb-girdle muscular dystrophy type 2K. Also called: MUSCULAR DYSTROPHY-DYSTROGLYCANOPATHY (LIMB-GIRDLE), TYPE C, 1; MUSCULAR DYSTROPHY, LIMB-GIRDLE, TYPE 2K. Identifiers: Orphanet 86812, MedGen C1836373, MONDO:0012248, OMIM 609308.
Walker-Warburg congenital muscular dystrophy. Also called: Muscular dystrophy-dystroglycanopathy, type A; Walker-Warburg syndrome. Identifiers: Orphanet 899, MedGen C0265221, MONDO:0000171.
Muscular dystrophy-dystroglycanopathy (congenital with impaired intellectual development), type B, 1. Also called: Muscular dystrophy-dystroglycanopathy (congenital with intellectual disability), type B1; MUSCULAR DYSTROPHY, CONGENITAL, POMT1-RELATED. Identifiers: MedGen C5436962, MONDO:0013159, OMIM 613155.

Allele frequency attached by ClinVar (database versions not stated): TOPMed 0.00001.

Submissions (3):

Revvity Omics, Revvity
Classification: Uncertain significance. Last evaluated: 2024-07-18. Review status: criteria provided, single submitter. Criteria: ACMG Guidelines, 2015. Collection method: clinical testing. Allele origin: germline.

Women's Health and Genetics/Laboratory Corporation of America, LabCorp
Classification: Uncertain significance. Last evaluated: 2023-01-16. Review status: criteria provided, single submitter. Criteria: LabCorp Variant Classification Summary - May 2015. Collection method: clinical testing. Allele origin: germline.
Comment: Variant summary: POMT1 c.2204G>A (p.Arg735His) results in a non-conservative amino acid change located in the Protein O-mannosyl-transferase, C-terminal four TM domain (IPR032421) of the encoded protein sequence. Four of five in-silico tools predict a damaging effect of the variant on protein function. The variant was absent in 249910 control chromosomes (gnomAD). c.2204G>A has been reported in the literature in individuals affected with Muscular dystrophy-dystroglycanopathy (limb-girdle), type C, 1 (example: Elmas_2019 and Elmas_2020). These data indicate that the variant may be associated with disease. To our knowledge, no experimental evidence demonstrating an impact on protein function has been reported. One clinical diagnostic laboratory has submitted clinical-significance assessments for this variant to ClinVar after 2014 and classified the variant as uncertain significance. Based on the evidence outlined above, the variant was classified as VUS-possibly pathogenic.

Labcorp Genetics (formerly Invitae), Labcorp
Classification: Uncertain significance for Muscular dystrophy-dystroglycanopathy (congenital with impaired intellectual development), type B, 1; Walker-Warburg congenital muscular dystrophy; Autosomal recessive limb-girdle muscular dystrophy type 2K. Last evaluated: 2017-10-23. Review status: criteria provided, single submitter. Criteria: Invitae Variant Classification Sherloc (09022015). Collection method: clinical testing. Allele origin: germline.
Comment: This sequence change replaces arginine with histidine at codon 735 of the POMT1 protein (p.Arg735His). The arginine residue is highly conserved and there is a small physicochemical difference between arginine and histidine. This variant is not present in population databases (ExAC no frequency). This variant has not been reported in the literature in individuals with POMT1-related disease. Algorithms developed to predict the effect of missense changes on protein structure and function do not agree on the potential impact of this missense change (SIFT: "Deleterious"; PolyPhen-2: "Benign"; Align-GVGD: "Class C0"). In summary, the available evidence is currently insufficient to determine the role of this variant in disease. Therefore, it has been classified as a Variant of Uncertain Significance.

Literature cited by the submitters: PubMed 35769956 (cited by Women's Health and Genetics/Laboratory Corporation of America, LabCorp); PubMed 30426380 (cited by Women's Health and Genetics/Laboratory Corporation of America, LabCorp).